The following is an entry in ClinVar:

ClinVar aggregate classification (germline): Uncertain significance. Review status: criteria provided, single submitter (1 of 4 stars). 2 submissions from 2 submitters: Uncertain significance (1). 1 of the submissions does not count toward it. Last evaluated 2021-08-27.

Conditions:
Aicardi Goutieres syndrome (AGS). Also called: Encephalopathy, familial infantile, with calcification of basal ganglia and chronic cerebrospinal fluid lymphocytosis. Identifiers: Orphanet 51, MedGen C0393591, MONDO:0018866.
Aicardi-Goutieres syndrome 5. Identifiers: Orphanet 51, MedGen C2749659, MONDO:0013059, OMIM 612952.

Allele frequency attached by ClinVar (database versions not stated): gnomAD exomes below 0.00001; TOPMed below 0.00001; gnomAD 0.00001.
gnomAD v4.1: 2 of 1,613,638 alleles (0.00012%); highest among the groups gnomAD compares: Non-Finnish European, 0.00017%; no homozygotes.

Submissions (2):

Labcorp Genetics (formerly Invitae), Labcorp
Classification: Uncertain significance for Aicardi-Goutieres syndrome 5. Last evaluated: 2021-08-27. Review status: criteria provided, single submitter. Criteria: Invitae Variant Classification Sherloc (09022015). Collection method: clinical testing. Allele origin: germline.
Comment: This sequence change replaces proline with serine at codon 485 of the SAMHD1 protein (p.Pro485Ser). The proline residue is moderately conserved and there is a moderate physicochemical difference between proline and serine. This variant is not present in population databases (ExAC no frequency). This variant has not been reported in the literature in individuals affected with SAMHD1-related conditions. Algorithms developed to predict the effect of missense changes on protein structure and function (SIFT, PolyPhen-2, Align-GVGD) all suggest that this variant is likely to be tolerated. In summary, the available evidence is currently insufficient to determine the role of this variant in disease. Therefore, it has been classified as a Variant of Uncertain Significance.

Natera, Inc.
Classification: Uncertain significance for Aicardi-Goutieres syndrome. Last evaluated: 2021-04-06. Review status: no assertion criteria provided. Collection method: clinical testing. Allele origin: germline. Not counted in ClinVar's aggregate classification.

NM_015474.4(SAMHD1):c.1453C>T (p.Pro485Ser)

Gene: SAMHD1 (SAM and HD domain containing deoxynucleoside triphosphate triphosphohydrolase 1; minus strand). Cytogenetic location: 20q11.23.
Variant type: single nucleotide variant.
Coding change: c.1453C>T on transcript NM_015474.4 (MANE Select); coding-DNA position 1453, C replaced by T.
Protein change: p.Pro485Ser; replaces proline 485 with serine.
Molecular consequence: missense variant.
Genome position (GRCh38, 1-based): chr20:36,904,207, G>A on the plus strand (C>T on the coding strand, the complement: SAMHD1 is on the minus strand). VCF-style: chr20-36904207-G-A. GRCh37 (hg19) VCF-style: chr20-35532610-G-A.
Other names: c.1453C>T, p.Pro485Ser (NM_001363729.2, NM_001363733.2); short protein forms P485S.
Identifiers: ClinVar variation 662872 (VCV000662872.7), dbSNP rs886645360, ClinGen allele CA408841261.